The following is an entry in ClinVar:

ClinVar aggregate classification (germline): Uncertain significance (1 of 4 stars; one submission).

Conditions:
Tuberous sclerosis 2 (TSC2). Identifiers: Orphanet 805, MedGen C1860707, MONDO:0013199, OMIM 613254.

Submission:

Labcorp Genetics (formerly Invitae), Labcorp
Classification: Uncertain significance for Tuberous sclerosis 2. Last evaluated: 2025-01-02. Review status: criteria provided, single submitter. Criteria: Invitae Variant Classification Sherloc (09022015). Collection method: clinical testing. Allele origin: germline.
Comment: This sequence change creates a premature translational stop signal (p.Ala1273Trpfs*53) in the TSC2 gene. Loss-of-function variants in TSC2 are known to be pathogenic (PMID: 10205261, 17304050). However, tissue-specific alternative splicing of TSC2 gene results in a functional isoform lacking in-frame exon 32 (also known as exon 31, PMID: 26703369). For this reason the clinical significance of loss of function variants in exon 32 is currently uncertain. This variant is not present in population databases (gnomAD no frequency). This variant has not been reported in the literature in individuals affected with TSC2-related conditions. In summary, the available evidence is currently insufficient to determine the role of this variant in disease. Therefore, it has been classified as a Variant of Uncertain Significance.

Literature cited by the submitters: PubMed 10205261; PubMed 17304050.

NM_001077183.3(TSC2):c.3682+638_3682+639dup

Gene: TSC2 (TSC complex subunit 2; plus strand). Cytogenetic location: 16p13.3.
Variant type: Duplication.
Coding change: c.3682+638_3682+639dup on transcript NM_001077183.3; bases 638 to 639 of the intron after coding-DNA position 3682, 2 bases duplicated (TG; older notation c.3682+638_3682+639dupTG).
Molecular consequence: intron variant.
Genome position (GRCh38, 1-based): chr16:2,082,436-2,082,437, TG duplicated; duplicating any 2 consecutive bases within chr16:2,082,435-2,082,437 gives the same sequence; the c. name uses the placement nearest the transcript's 3' end. VCF-style (leftmost placement, unchanged base first): chr16-2082434-A-AGT. GRCh37 (hg19) VCF-style: chr16-2132435-A-AGT.
Other names: c.2341+638_2341+639dup (NM_001406693.1, NM_001406692.1, NM_001406694.1); c.3775+638_3775+639dup (NM_001406667.1); c.3772+638_3772+639dup (NM_001406668.1); c.3214+638_3214+639dup (NM_001406683.1, NM_001406682.1); c.3082+638_3082+639dup (NM_001406687.1, NM_001406688.1); c.2470+638_2470+639dup (NM_001406689.1); c.2338+638_2338+639dup (NM_001406697.1, NM_001406695.1, NM_001406696.1); c.2080+638_2080+639dup (NM_001406698.1); and 17 more.
Identifiers: ClinVar variation 3728458 (VCV003728458.2).